The following is an entry in ClinVar:

ClinVar aggregate classification (germline): Uncertain significance (1 of 4 stars; one submission).

Submission:

Labcorp Genetics (formerly Invitae), Labcorp
Classification: Uncertain significance. Last evaluated: 2023-05-01. Review status: criteria provided, single submitter. Criteria: Invitae Variant Classification Sherloc (09022015). Collection method: clinical testing. Allele origin: germline.
Comment: This sequence change replaces tyrosine, which is neutral and polar, with histidine, which is basic and polar, at codon 1046 of the POLE protein (p.Tyr1046His). This variant is not present in population databases (gnomAD no frequency). This variant has not been reported in the literature in individuals affected with POLE-related conditions. Advanced modeling of protein sequence and biophysical properties (such as structural, functional, and spatial information, amino acid conservation, physicochemical variation, residue mobility, and thermodynamic stability) performed at Invitae indicates that this missense variant is expected to disrupt POLE protein function. In summary, the available evidence is currently insufficient to determine the role of this variant in disease. Therefore, it has been classified as a Variant of Uncertain Significance.

NM_006231.4(POLE):c.3136T>C (p.Tyr1046His)

Gene: POLE (DNA polymerase epsilon, catalytic subunit; minus strand). Cytogenetic location: 12q24.33.
Variant type: single nucleotide variant.
Coding change: c.3136T>C on transcript NM_006231.4 (MANE Select); coding-DNA position 3136, T replaced by C.
Protein change: p.Tyr1046His; replaces tyrosine 1046 with histidine.
Molecular consequence: missense variant.
Genome position (GRCh38, 1-based): chr12:132,659,434, A>G on the plus strand (T>C on the coding strand, the complement: POLE is on the minus strand). VCF-style: chr12-132659434-A-G. GRCh37 (hg19) VCF-style: chr12-133236020-A-G.
Other names: short protein forms Y1046H.
Identifiers: ClinVar variation 2861027 (VCV002861027.3), dbSNP rs1420996233, ClinGen allele CA387391042.